The following is an entry in ClinVar:

NM_020987.5(ANK3):c.6857del (p.Pro2286fs)

Genes: ANK3 (ankyrin 3; minus strand), LOC130003862 (ATAC-STARR-seq lymphoblastoid active region 3393; plus strand). Cytogenetic location: 10q21.2.
Variant type: Deletion.
Coding change: c.6857del on transcript NM_020987.5 (MANE Select); coding-DNA position 6857, one base deleted (C; older notation c.6857delC).
Protein change: p.Pro2286fs; shifts the reading frame from proline 2286.
Molecular consequence: frameshift variant. On other transcripts: intron variant (4).
Genome position (GRCh38, 1-based): chr10:60,074,024, G deleted on the plus strand (C on the coding strand, the reverse complement: ANK3 is on the minus strand); the first of 2 consecutive G bases (chr10:60,074,024-60,074,025); deleting either gives the same sequence. VCF-style (leftmost placement, unchanged base first): chr10-60074023-AG-A. GRCh37 (hg19) VCF-style: chr10-61833781-AG-A.
Other names: c.4388-6015del (NM_001204403.2); c.4409-6015del (NM_001204404.2); c.4406-6015del (NM_001320874.2); c.1808-6015del (NM_001149.4); short protein forms P2286fs.
Identifiers: ClinVar variation 2662690 (VCV002662690.1), dbSNP rs2492557671, ClinGen allele CA2695199495.

ClinVar aggregate classification (germline): Uncertain significance (1 of 4 stars; one submission).

Submission:

GeneDx
Classification: Uncertain significance. Last evaluated: 2023-07-09. Review status: criteria provided, single submitter. Criteria: GeneDx Variant Classification Process June 2021. Collection method: clinical testing. Allele origin: germline. Affected: yes.
Comment: Not observed at significant frequency in large population cohorts (gnomAD); Frameshift variant predicted to result in protein truncation or nonsense mediated decay in a gene or region of a gene for which loss of function is not a well-established mechanism of disease; Has not been previously published as pathogenic or benign to our knowledge; Variants in candidate genes are classified as variants of uncertain significance in accordance with ACMG guidelines (Richards et al., 2015)